The following is an entry in ClinVar:

ClinVar aggregate classification (germline): Uncertain significance (1 of 4 stars; one submission).

Conditions:
Singleton-Merten syndrome 1 (SGMRT1). Also called: Syndrome of widened medullary cavities of the metacarpals and phalanges, aortic calcification and abnormal dentition; Widened medullary cavities of bone, aortic calcification, abnormal dentition, and muscular weakness. Identifiers: Orphanet 85191, MedGen C4225427, MONDO:0024535, OMIM 182250.
Aicardi-Goutieres syndrome 7 (AGS7). Identifiers: Orphanet 51, MedGen C3888244, MONDO:0014367, OMIM 615846.

Submission:

Labcorp Genetics (formerly Invitae), Labcorp
Classification: Uncertain significance for Aicardi-Goutieres syndrome 7; Singleton-Merten syndrome 1. Last evaluated: 2024-10-24. Review status: criteria provided, single submitter. Criteria: Invitae Variant Classification Sherloc (09022015). Collection method: clinical testing. Allele origin: germline.
Comment: This sequence change replaces lysine, which is basic and polar, with asparagine, which is neutral and polar, at codon 235 of the IFIH1 protein (p.Lys235Asn). This variant is not present in population databases (gnomAD no frequency). This variant has not been reported in the literature in individuals affected with IFIH1-related conditions. ClinVar contains an entry for this variant (Variation ID: 1719353). An algorithm developed to predict the effect of missense changes on protein structure and function outputs the following: PolyPhen-2: "Benign". The asparagine amino acid residue is found in multiple mammalian species, which suggests that this missense change does not adversely affect protein function. In summary, the available evidence is currently insufficient to determine the role of this variant in disease. Therefore, it has been classified as a Variant of Uncertain Significance.

NM_022168.4(IFIH1):c.705G>T (p.Lys235Asn)

Gene: IFIH1 (interferon induced with helicase C domain 1; minus strand). Cytogenetic location: 2q24.2.
Variant type: single nucleotide variant.
Coding change: c.705G>T on transcript NM_022168.4 (MANE Select); coding-DNA position 705, G replaced by T.
Protein change: p.Lys235Asn; replaces lysine 235 with asparagine.
Molecular consequence: missense variant.
Genome position (GRCh38, 1-based): chr2:162,306,773, C>A on the plus strand (G>T on the coding strand, the complement: IFIH1 is on the minus strand). VCF-style: chr2-162306773-C-A. GRCh37 (hg19) VCF-style: chr2-163163283-C-A.
Other names: short protein forms K235N.
Identifiers: ClinVar variation 1719353 (VCV001719353.5), dbSNP rs2468992112, ClinGen allele CA349008424.